The following is an entry in ClinVar:

ClinVar aggregate classification (germline): Uncertain significance (1 of 4 stars; one submission).

Submission:

GeneDx
Classification: Uncertain significance. Last evaluated: 2024-10-08. Review status: criteria provided, single submitter. Criteria: GeneDx Variant Classification Process June 2021. Collection method: clinical testing. Allele origin: germline. Affected: yes.
Comment: Not observed at significant frequency in large population cohorts (gnomAD); In silico analysis supports that this missense variant has a deleterious effect on protein structure/function; Has not been previously published as pathogenic or benign to our knowledge

NM_019842.4(KCNQ5):c.1856A>G (p.Lys619Arg)

Gene: KCNQ5 (potassium voltage-gated channel subfamily Q member 5; plus strand). Cytogenetic location: 6q13.
Variant type: single nucleotide variant.
Coding change: c.1856A>G on transcript NM_019842.4 (MANE Select); coding-DNA position 1856, A replaced by G.
Protein change: p.Lys619Arg; replaces lysine 619 with arginine.
Molecular consequence: missense variant.
Genome position (GRCh38, 1-based): chr6:73,194,471, A>G. VCF-style: chr6-73194471-A-G. GRCh37 (hg19) VCF-style: chr6-73904194-A-G.
Other names: c.1829A>G, p.Lys610Arg (NM_001160130.2); c.1886A>G, p.Lys629Arg (NM_001160132.2); c.1913A>G, p.Lys638Arg (NM_001160133.2); c.1526A>G, p.Lys509Arg (NM_001160134.2); short protein forms K509R, K610R, K619R, K629R, K638R.
Identifiers: ClinVar variation 3777444 (VCV003777444.1).